The following is an entry in ClinVar:

ClinVar aggregate classification (germline): Uncertain significance (1 of 4 stars; one submission).

Conditions:
Primary dilated cardiomyopathy (DCM). Also called: Dilated Cardiomyopathy. Identifiers: Orphanet 217604, MedGen C0007193, MeSH D002311, MONDO:0005021, HP:0001644. Inheritance: Various modes of inheritance.

Submission:

All of Us Research Program, National Institutes of Health
Classification: Uncertain significance for Primary dilated cardiomyopathy. Last evaluated: 2024-08-06. Review status: criteria provided, single submitter. Criteria: ACMG Guidelines, 2015. Collection method: clinical testing. Allele origin: germline. Inheritance: Autosomal dominant inheritance. Observed: 1 variant allele, 1 heterozygote.
Comment: This study involves interpretation of variants in research participants for the purpose of population health screening. Participant phenotype was not available at the time of variant classification. Additional details can be found in publication PMID: 35346344, PMCID: PMC8962531

NM_170707.4(LMNA):c.1973C>T (p.Pro658Leu)

Gene: LMNA (lamin A/C; plus strand). Cytogenetic location: 1q22.
Variant type: single nucleotide variant.
Coding change: c.1973C>T on transcript NM_170707.4 (MANE Select); coding-DNA position 1973, C replaced by T.
Protein change: p.Pro658Leu; replaces proline 658 with leucine.
Molecular consequence: missense variant.
Genome position (GRCh38, 1-based): chr1:156,139,084, C>T. VCF-style: chr1-156139084-C-T. GRCh37 (hg19) VCF-style: chr1-156108875-C-T.
Other names: c.1637C>T, p.Pro546Leu (NM_001257374.3, NM_001406989.1); c.1823C>T, p.Pro608Leu (NM_001282626.2); c.1973C>T, p.Pro658Leu (NM_001406983.1, NM_001406985.1, NM_001406991.1); c.1730C>T, p.Pro577Leu (NM_001406986.1, NM_001406987.1); c.1676C>T, p.Pro559Leu (NM_001406988.1); c.1415C>T, p.Pro472Leu (NM_001406990.1, NM_001406993.1, NM_001406995.1 and 2 more transcripts); c.1349C>T, p.Pro450Leu (NM_001406994.1, NM_001406999.1, NM_001407000.1 and 1 more transcripts); c.1883C>T, p.Pro628Leu (NM_170708.4); short protein forms P450L, P472L, P546L, P559L, P577L, P608L, P628L, P658L.
Identifiers: ClinVar variation 3387018 (VCV003387018.1).